The following is an entry in ClinVar:

ClinVar aggregate classification (germline): Uncertain significance (1 of 4 stars; one submission).

Submission:

Labcorp Genetics (formerly Invitae), Labcorp
Classification: Uncertain significance. Last evaluated: 2025-07-20. Review status: criteria provided, single submitter. Criteria: Invitae Variant Classification Sherloc (09022015). Collection method: clinical testing. Allele origin: germline.
Comment: This sequence change is expected to alter the c-terminus of the FN1 protein (p.Glu2477Valfs*36). While this is not anticipated to result in nonsense mediated decay, it is expected to disrupt the last 1 amino acid(s) of the FN1 protein and extend the protein by 34 additional amino acid residues. This variant is not present in population databases (gnomAD no frequency). This variant has not been reported in the literature in individuals affected with FN1-related conditions. Experimental studies and prediction algorithms are not available or were not evaluated, and the functional significance of this variant is currently unknown. In summary, the available evidence is currently insufficient to determine the role of this variant in disease. Therefore, it has been classified as a Variant of Uncertain Significance.

NM_212482.4(FN1):c.7430_7431del (p.Glu2477fs)

Genes: ATIC (5-aminoimidazole-4-carboxamide ribonucleotide formyltransferase/IMP cyclohydrolase; plus strand), FN1 (fibronectin 1; minus strand). Cytogenetic location: 2q35.
Variant type: Microsatellite.
Coding change: c.7430_7431del on transcript NM_212482.4 (MANE Select); coding-DNA positions 7430 to 7431, 2 bases deleted (AG; older notation c.7430_7431delAG).
Protein change: p.Glu2477fs; shifts the reading frame from glutamic acid 2477.
Molecular consequence: frameshift variant.
Genome position (GRCh38, 1-based): chr2:215,361,558-215,361,559, CT deleted on the plus strand (AG on the coding strand, the reverse complement: FN1 is on the minus strand); deleting any 2 consecutive bases within chr2:215,361,558-215,361,562 gives the same sequence; the c. name uses the placement nearest the transcript's 3' end. VCF-style (leftmost placement, unchanged base first): chr2-215361557-ACT-A. GRCh37 (hg19) VCF-style: chr2-216226280-ACT-A.
Other names: c.7337_7338del, p.Glu2446fs (NM_001306129.2); c.6800_6801del, p.Glu2267fs (NM_001306130.2); c.6794_6795del, p.Glu2265fs (NM_001306131.2); c.6719_6720del, p.Glu2240fs (NM_001306132.2); c.7160_7161del, p.Glu2387fs (NM_001365517.2); c.7157_7158del, p.Glu2386fs (NM_001365518.2); c.7085_7086del, p.Glu2362fs (NM_001365519.2); c.7082_7083del, p.Glu2361fs (NM_001365520.2); and 8 more; short protein forms E2331fs, E2355fs, E2386fs, E2240fs, E2267fs, E2271fs, E2330fs, E2361fs.
Identifiers: ClinVar variation 4769312 (VCV004769312.1).